The following is an entry in ClinVar:

NM_014003.4(DHX38):c.2380-2A>G

Gene: DHX38 (DEAH-box helicase 38; plus strand). Cytogenetic location: 16q22.2.
Variant type: single nucleotide variant.
Coding change: c.2380-2A>G on transcript NM_014003.4 (MANE Select); the canonical splice acceptor site of the intron before coding-DNA position 2380, A replaced by G.
Molecular consequence: splice acceptor variant.
Genome position (GRCh38, 1-based): chr16:72,105,515, A>G. VCF-style: chr16-72105515-A-G. GRCh37 (hg19) VCF-style: chr16-72139414-A-G.
Identifiers: ClinVar variation 857165 (VCV000857165.9), dbSNP rs2042163396, ClinGen allele CA396712472.
Genomic context (GRCh38, chr16:72,105,515, plus strand): 5'-CCTCGCGGAGCCTTTCCTGTCTCGAGGGACTCATTTTTCCCTTCCTGTATGTCCTGCTCT[A>G]GGCTCCAGATGGCGTTCGGAAGTGCATCGTTGCCACCAATATTGCCGAGACGTCTCTCAC-3'

ClinVar aggregate classification (germline): Uncertain significance (1 of 4 stars; one submission).

Submission:

Labcorp Genetics (formerly Invitae), Labcorp
Classification: Uncertain significance. Last evaluated: 2022-11-22. Review status: criteria provided, single submitter. Criteria: Invitae Variant Classification Sherloc (09022015). Collection method: clinical testing. Allele origin: germline.
Comment: In summary, the available evidence is currently insufficient to determine the role of this variant in disease. Therefore, it has been classified as a Variant of Uncertain Significance. Algorithms developed to predict the effect of sequence changes on RNA splicing suggest that this variant may disrupt the consensus splice site. ClinVar contains an entry for this variant (Variation ID: 857165). This variant has not been reported in the literature in individuals affected with DHX38-related conditions. This variant is not present in population databases (gnomAD no frequency). This sequence change affects an acceptor splice site in intron 17 of the DHX38 gene. It is expected to disrupt RNA splicing. Variants that disrupt the donor or acceptor splice site typically lead to a loss of protein function (PMID: 16199547), however the current clinical and genetic evidence is not sufficient to establish whether loss-of-function variants in DHX38 cause disease.

Literature cited by the submitters: PubMed 16199547.